The following is an entry in ClinVar:

ClinVar aggregate classification (germline): Conflicting classifications of pathogenicity. Review status: criteria provided, conflicting classifications (1 of 4 stars). 3 submissions from 3 submitters: Uncertain significance (2); Likely benign (1). Last evaluated 2024-09-29.

Conditions:
Cardiovascular phenotype. Identifiers: MedGen CN230736.
Hereditary cancer-predisposing syndrome. Also called: Hereditary Cancer Syndrome; Hereditary neoplastic syndrome; Neoplastic Syndromes, Hereditary; Tumor predisposition. Identifiers: Orphanet 140162, MedGen C0027672, MeSH D009386, MONDO:0015356.

Allele frequency attached by ClinVar (database versions not stated): gnomAD exomes below 0.00001.

Submissions (3):

Labcorp Genetics (formerly Invitae), Labcorp
Classification: Uncertain significance. Last evaluated: 2024-09-29. Review status: criteria provided, single submitter. Criteria: Invitae Variant Classification Sherloc (09022015). Collection method: clinical testing. Allele origin: germline.
Comment: This sequence change falls in intron 18 of the LZTR1 gene. It does not directly change the encoded amino acid sequence of the LZTR1 protein. It affects a nucleotide within the consensus splice site. This variant is not present in population databases (gnomAD no frequency). This variant has not been reported in the literature in individuals affected with LZTR1-related conditions. ClinVar contains an entry for this variant (Variation ID: 1787877). Variants that disrupt the consensus splice site are a relatively common cause of aberrant splicing (PMID: 17576681, 9536098). Algorithms developed to predict the effect of sequence changes on RNA splicing suggest that this variant may disrupt the consensus splice site. In summary, the available evidence is currently insufficient to determine the role of this variant in disease. Therefore, it has been classified as a Variant of Uncertain Significance.

Ambry Genetics
Classification: Uncertain significance for Cardiovascular phenotype; Hereditary cancer-predisposing syndrome. Last evaluated: 2022-10-31. Review status: criteria provided, single submitter. Criteria: Ambry Variant Classification Scheme 2023. Collection method: clinical testing. Allele origin: germline.
Comment: The c.2219+4T>C intronic variant results from a T to C substitution 4 nucleotides after coding exon 18 in the LZTR1 gene. This nucleotide position is highly conserved in available vertebrate species. In silico splice site analysis predicts that this alteration will not have any significant effect on splicing. Since supporting evidence is limited at this time, the clinical significance of this alteration remains unclear.

Blueprint Genetics
Classification: Likely benign. Last evaluated: 2022-04-11. Review status: criteria provided, single submitter. Criteria: ACMG Guidelines, 2015. Collection method: clinical testing. Allele origin: germline.

Literature cited by the submitters: PubMed 17576681 (cited by Labcorp Genetics (formerly Invitae), Labcorp); PubMed 9536098 (cited by Labcorp Genetics (formerly Invitae), Labcorp).

NM_006767.4(LZTR1):c.2219+4T>C

Gene: LZTR1 (leucine zipper like post translational regulator 1; plus strand). Cytogenetic location: 22q11.21.
Variant type: single nucleotide variant.
Coding change: c.2219+4T>C on transcript NM_006767.4 (MANE Select); 4 bases into the intron after coding-DNA position 2219, T replaced by C.
Molecular consequence: intron variant.
Genome position (GRCh38, 1-based): chr22:20,996,116, T>C. VCF-style: chr22-20996116-T-C. GRCh37 (hg19) VCF-style: chr22-21350405-T-C.
Identifiers: ClinVar variation 1787877 (VCV001787877.6), dbSNP rs2518624803, ClinGen allele CA2580099289.